The following is an entry in ClinVar:

GRCh37/hg19 15q26.3(chr15:99490397-99521812)x1

Genes: IGF1R (insulin like growth factor 1 receptor; plus strand), PGPEP1L (pyroglutamyl-peptidase I like; minus strand). Cytogenetic location: 15q26.3.
Variant type: copy number loss.
Change: copy number 1 (one copy instead of two) of chr15:99,490,397-99,521,812 (31.4 kb, GRCh37 coordinates, 1-based), cytogenetic band 15q26.3.
Identifiers: ClinVar variation 1341270 (VCV001341270.1).

ClinVar aggregate classification (germline): Likely pathogenic (0 of 4 stars; one submission).

Submission:

Quest Diagnostics Nichols Institute San Juan Capistrano
Classification: Likely pathogenic. Last evaluated: 2021-05-01. Review status: no assertion criteria provided. Collection method: clinical testing. Allele origin: germline.
Comment: This copy number loss involves multiple exons at the 3' end of the IGF1R gene (OMIM #147370). Patients with a heterozygous deletion involving IGF1R showed consistent growth restriction phenotype (OMIM #270450; Ester et al., J Clin Endocrinol Metab. 2009 Dec;94(12):4717-27. PMID: 19864454; Caliebe et al., Horm Res Paediatr. 2012;77(4):250-60. PMID: 22572840; and van Duyvenvoorde et al., Eur J Hum Genet. 2014 May;22(5):602-9. PMID: 24065112). Loss of function mutations that caused nonsense-mediated decay also result in the same consequence. Based upon current medical literature, a pathogenic role for this gene/locus cannot be ruled out.